The following is an entry in ClinVar:

ClinVar aggregate classification (germline): Likely benign (1 of 4 stars; one submission).

Conditions:
NRP2-related disorder. Also called: NRP2-related condition.

gnomAD v4.1: 3 of 1,614,080 alleles (0.00019%); highest among the groups gnomAD compares: African/African-American, 0.004%; no homozygotes.

Submission:

PreventionGenetics, part of Exact Sciences
Classification: Likely benign for NRP2-related condition. Last evaluated: 2024-10-10. Review status: criteria provided, single submitter. Criteria: ACMG Guidelines, 2015. Collection method: clinical testing. Allele origin: germline.
Comment: This variant is classified as likely benign based on ACMG/AMP sequence variant interpretation guidelines (Richards et al. 2015 PMID: 25741868, with internal and published modifications).

NM_003872.3(NRP2):c.705C>A (p.Pro235=)

Gene: NRP2 (neuropilin 2; plus strand). Cytogenetic location: 2q33.3.
Variant type: single nucleotide variant.
Coding change: c.705C>A on transcript NM_003872.3 (MANE Select); coding-DNA position 705, C replaced by A.
Protein change: p.Pro235=; no amino-acid change (proline 235 retained).
Molecular consequence: synonymous variant.
Genome position (GRCh38, 1-based): chr2:205,723,825, C>A. VCF-style: chr2-205723825-C-A. GRCh37 (hg19) VCF-style: chr2-206588549-C-A.
Other names: c.705C>A, p.Pro235= (NM_018534.4, NM_201264.2, NM_201266.2 and 2 more transcripts).
Identifiers: ClinVar variation 4981582 (VCV004981582.1).